The following is an entry in ClinVar:

ClinVar aggregate classification (germline): Uncertain significance. Review status: criteria provided, multiple submitters, no conflicts (2 of 4 stars). 2 submissions from 2 submitters: Uncertain significance (2). Last evaluated 2026-02-12.

Allele frequency attached by ClinVar (database versions not stated): gnomAD exomes 0.00002 and 0.00004; gnomAD 0.00003 and 0.00002; ExAC 0.00005; TOPMed 0.00005; ESP Exome Variant Server 0.00008; 1000 Genomes Project 30x 0.00016; 1000 Genomes Project 0.00020.
gnomAD v4.1: 37 of 1,613,708 alleles (0.0023%); highest among the groups gnomAD compares: East Asian, 0.0045%; 1 homozygote.

Submissions (2):

Women's Health and Genetics/Laboratory Corporation of America, LabCorp
Classification: Uncertain significance. Last evaluated: 2026-02-12. Review status: criteria provided, single submitter. Criteria: LabCorp Variant Classification Summary - May 2015. Collection method: clinical testing. Allele origin: germline.
Comment: Variant summary: NFKB1 c.2711C>T (p.Ser904Leu) results in a non-conservative amino acid change in the encoded protein sequence. Algorithms developed to predict the effect of missense changes on protein structure and function are either unavailable or do not agree on the potential impact of this missense change. The variant allele was found at a frequency of 3.6e-05 in 250668 control chromosomes in the gnomAD database, including one homozygote. The available data on variant occurrences in the general population are insufficient to allow any conclusion about variant significance. c.2711C>T has been observed in at least one individual affected with developmental disorder and autism (Kaplanis_2020, Zhou_2022). These reports do not provide unequivocal conclusions about association of the variant with Immunodeficiency, common variable, 12. To our knowledge, no experimental evidence demonstrating an impact on protein function has been reported. The following publications have been ascertained in the context of this evaluation (PMID: 33057194, 35982159). ClinVar contains an entry for this variant (Variation ID: 1488658). Based on the evidence outlined above, the variant was classified as uncertain significance.

Labcorp Genetics (formerly Invitae), Labcorp
Classification: Uncertain significance. Last evaluated: 2025-08-11. Review status: criteria provided, single submitter. Criteria: Invitae Variant Classification Sherloc (09022015). Collection method: clinical testing. Allele origin: germline.
Comment: This sequence change replaces serine, which is neutral and polar, with leucine, which is neutral and non-polar, at codon 904 of the NFKB1 protein (p.Ser904Leu). This variant is present in population databases (rs142074302, gnomAD 0.006%), including at least one homozygous and/or hemizygous individual. This variant has not been reported in the literature in individuals affected with NFKB1-related conditions. ClinVar contains an entry for this variant (Variation ID: 1488658). An algorithm developed to predict the effect of missense changes on protein structure and function outputs the following: PolyPhen-2: "Benign". The leucine amino acid residue is found in multiple mammalian species, which suggests that this missense change does not adversely affect protein function. In summary, the available evidence is currently insufficient to determine the role of this variant in disease. Therefore, it has been classified as a Variant of Uncertain Significance.

Literature cited by the submitters: PubMed 35982159 (cited by Women's Health and Genetics/Laboratory Corporation of America, LabCorp); PubMed 33057194 (cited by Women's Health and Genetics/Laboratory Corporation of America, LabCorp).

NM_003998.4(NFKB1):c.2711C>T (p.Ser904Leu)

Gene: NFKB1 (nuclear factor kappa B subunit 1; plus strand). Cytogenetic location: 4q24.
Variant type: single nucleotide variant.
Coding change: c.2711C>T on transcript NM_003998.4 (MANE Select); coding-DNA position 2711, C replaced by T.
Protein change: p.Ser904Leu; replaces serine 904 with leucine.
Molecular consequence: missense variant.
Genome position (GRCh38, 1-based): chr4:102,613,543, C>T. VCF-style: chr4-102613543-C-T. GRCh37 (hg19) VCF-style: chr4-103534700-C-T.
Other names: c.2711C>T, p.Ser904Leu (NM_001382626.1, NM_001382625.1); c.2708C>T, p.Ser903Leu (NM_001382627.1, NM_001165412.2, NM_001319226.2); c.2669C>T, p.Ser890Leu (NM_001382628.1); short protein forms S890L, S903L, S904L.
Identifiers: ClinVar variation 1488658 (VCV001488658.9), dbSNP rs142074302, ClinGen allele CA3026503.
Genomic context (GRCh38, chr4:102,613,543, plus strand): 5'-AAGCAATTGAAGTGATCCAGGCAGCCTCCAGCCCAGTGAAGACCACCTCTCAGGCCCACT[C>T]GCTGCCTCTCTCGCCTGCCTCCACAAGGCAGCAAATAGGTAAAAAAAAAGACAAAAGACA-3'
Protein context (NP_003989.2, residues 894-914): SPVKTTSQAH[Ser904Leu]LPLSPASTRQ